The following is an entry in ClinVar:

NM_002691.4(POLD1):c.1533C>T (p.Tyr511=)

Gene: POLD1 (DNA polymerase delta 1, catalytic subunit; plus strand). Cytogenetic location: 19q13.33.
Variant type: single nucleotide variant.
Coding change: c.1533C>T on transcript NM_002691.4 (MANE Select); coding-DNA position 1533, C replaced by T.
Protein change: p.Tyr511=; no amino-acid change (tyrosine 511 retained).
Molecular consequence: synonymous variant. On other transcripts: non-coding transcript variant (1).
Genome position (GRCh38, 1-based): chr19:50,407,021, C>T. VCF-style: chr19-50407021-C-T. GRCh37 (hg19) VCF-style: chr19-50910278-C-T.
Other names: c.1533C>T, p.Tyr511= (NM_001256849.1, NM_001308632.1).
Identifiers: ClinVar variation 2110664 (VCV002110664.5), dbSNP rs2122336754, ClinGen allele CA508183976.

ClinVar aggregate classification (germline): Benign/Likely benign. Review status: criteria provided, multiple submitters, no conflicts (2 of 4 stars). 2 submissions from 2 submitters: Benign (1); Likely benign (1). Last evaluated 2025-02-06.

Conditions:
POLD1-related polyposis and colorectal cancer syndrome (CRCS10). Also called: Colorectal cancer 10; COLORECTAL CANCER, SUSCEPTIBILITY TO, ON CHROMOSOME 19q; Colorectal cancer, susceptibility to, 10. Identifiers: Orphanet 220460, MedGen C2675481, MONDO:0012953, OMIM 612591.

Submissions (2):

Myriad Genetics, Inc.
Classification: Benign for POLD1-related polyposis and colorectal cancer syndrome. Last evaluated: 2025-02-06. Review status: criteria provided, single submitter. Criteria: Myriad Autosomal Dominant, Autosomal Recessive and X-Linked Classification Criteria (2023). Collection method: clinical testing. Allele origin: unknown.
Comment: This variant is considered benign. This variant is a silent/synonymous amino acid change and it is not expected to impact splicing.

Labcorp Genetics (formerly Invitae), Labcorp
Classification: Likely benign for POLD1-related polyposis and colorectal cancer syndrome. Last evaluated: 2022-03-13. Review status: criteria provided, single submitter. Criteria: Invitae Variant Classification Sherloc (09022015). Collection method: clinical testing. Allele origin: germline.